The following is an entry in ClinVar:

NM_001852.4(COL9A2):c.1789A>G (p.Lys597Glu)

Gene: COL9A2 (collagen type IX alpha 2 chain; minus strand). Cytogenetic location: 1p34.2.
Variant type: single nucleotide variant.
Coding change: c.1789A>G on transcript NM_001852.4 (MANE Select); coding-DNA position 1789, A replaced by G.
Protein change: p.Lys597Glu; replaces lysine 597 with glutamic acid.
Molecular consequence: missense variant.
Genome position (GRCh38, 1-based): chr1:40,302,624, T>C on the plus strand (A>G on the coding strand, the complement: COL9A2 is on the minus strand). VCF-style: chr1-40302624-T-C. GRCh37 (hg19) VCF-style: chr1-40768296-T-C.
Other names: short protein forms K597E.
Identifiers: ClinVar variation 3633528 (VCV003633528.2).

ClinVar aggregate classification (germline): Uncertain significance (1 of 4 stars; one submission).

gnomAD v4.1: 5 of 1,599,432 alleles (0.00031%); highest among the groups gnomAD compares: Non-Finnish European, 0.00043%; no homozygotes.

Submission:

Labcorp Genetics (formerly Invitae), Labcorp
Classification: Uncertain significance. Last evaluated: 2024-07-10. Review status: criteria provided, single submitter. Criteria: Invitae Variant Classification Sherloc (09022015). Collection method: clinical testing. Allele origin: germline.
Comment: This sequence change replaces lysine, which is basic and polar, with glutamic acid, which is acidic and polar, at codon 597 of the COL9A2 protein (p.Lys597Glu). The frequency data for this variant in the population databases is considered unreliable, as metrics indicate poor data quality at this position in the gnomAD database. This variant has not been reported in the literature in individuals affected with COL9A2-related conditions. Advanced modeling of protein sequence and biophysical properties (such as structural, functional, and spatial information, amino acid conservation, physicochemical variation, residue mobility, and thermodynamic stability) performed at Invitae indicates that this missense variant is not expected to disrupt COL9A2 protein function with a negative predictive value of 95%. In summary, the available evidence is currently insufficient to determine the role of this variant in disease. Therefore, it has been classified as a Variant of Uncertain Significance.